The following is an entry in ClinVar:

NM_000138.5(FBN1):c.5417G>T (p.Cys1806Phe)

Gene: FBN1 (fibrillin 1; minus strand). Cytogenetic location: 15q21.1.
Variant type: single nucleotide variant.
Coding change: c.5417G>T on transcript NM_000138.5 (MANE Select); coding-DNA position 5417, G replaced by T.
Protein change: p.Cys1806Phe; replaces cysteine 1806 with phenylalanine.
Molecular consequence: missense variant.
Genome position (GRCh38, 1-based): chr15:48,456,642, C>A on the plus strand (G>T on the coding strand, the complement: FBN1 is on the minus strand). VCF-style: chr15-48456642-C-A. GRCh37 (hg19) VCF-style: chr15-48748839-C-A.
Other names: p.Cys1806Phe; short protein forms C1806F.
Identifiers: ClinVar variation 527203 (VCV000527203.11), dbSNP rs1555396418, ClinGen allele CA392345808.

ClinVar aggregate classification (germline): Pathogenic/Likely pathogenic. Review status: criteria provided, multiple submitters, no conflicts (2 of 4 stars). 4 submissions from 4 submitters: Pathogenic (1); Likely pathogenic (3). Last evaluated 2025-12-09.

Conditions:
Familial thoracic aortic aneurysm and aortic dissection (TAAD). Also called: Thoracic aortic aneurysms and dissections. Identifiers: Orphanet 91387, MedGen C4707243, MONDO:0019625.
Marfan syndrome (MFS). Also called: Marfan syndrome type 1; Marfan syndrome, classic; Marfan's syndrome; FBN1-Related Marfan Syndrome; MARFAN SYNDROME, TYPE I. Identifiers: Orphanet 284963, Orphanet 558, MedGen C0024796, MONDO:0007947, OMIM 154700.
Marfan Syndrome/Loeys-Dietz Syndrome/Familial Thoracic Aortic Aneurysms and Dissections. Identifiers: MedGen CN229799.

Submissions (4):

Labcorp Genetics (formerly Invitae), Labcorp
Classification: Pathogenic for Marfan syndrome; Familial thoracic aortic aneurysm and aortic dissection. Last evaluated: 2025-12-09. Review status: criteria provided, single submitter. Criteria: Invitae Variant Classification Sherloc (09022015). Collection method: clinical testing. Allele origin: germline.
Comment: This sequence change replaces cysteine, which is neutral and slightly polar, with phenylalanine, which is neutral and non-polar, at codon 1806 of the FBN1 protein (p.Cys1806Phe). This variant is not present in population databases (gnomAD no frequency). This variant has not been reported in the literature in individuals affected with FBN1-related conditions. ClinVar contains an entry for this variant (Variation ID: 527203). Invitae Evidence Modeling of protein sequence and biophysical properties (such as structural, functional, and spatial information, amino acid conservation, physicochemical variation, residue mobility, and thermodynamic stability) indicates that this missense variant is expected to disrupt FBN1 protein function with a positive predictive value of 95%. This variant affects a cysteine residue in the EGF-like, TGFBP or hybrid motif domains of FBN1. Cysteine residues are believed to be involved in intramolecular disulfide bridges and have been shown to be important for FBN1 protein structure (PMID: 16905551, 19349279). In addition, missense substitutions affecting cysteine residues within these domains are significantly overrepresented among patients with Marfan syndrome (PMID: 16571647, 17701892). This variant disrupts the p.Cys1806 amino acid residue in FBN1. Other variant(s) that disrupt this residue have been observed in individuals with FBN1-related conditions (PMID: 12402346, 26787436, 31730815), which suggests that this may be a clinically significant amino acid residue. For these reasons, this variant has been classified as Pathogenic.

Ambry Genetics
Classification: Likely pathogenic for Familial thoracic aortic aneurysm and aortic dissection. Last evaluated: 2024-07-17. Review status: criteria provided, single submitter. Criteria: Ambry Variant Classification Scheme 2023. Collection method: clinical testing. Allele origin: germline.
Comment: The p.C1806F variant (also known as c.5417G>T), located in coding exon 43 of the FBN1 gene, results from a G to T substitution at nucleotide position 5417. The cysteine at codon 1806 is replaced by phenylalanine, an amino acid with highly dissimilar properties. The majority of FBN1 mutations identified to date have involved the substitution or generation of cysteine residues within cbEGF domains (Vollbrandt T et al. J Biol Chem. 2004;279(31):32924-32931). Internal structural analysis indicates this alteration eliminates a disulfide bond critical for the structural integrity of the cbEGF25 domain (Ambry internal data). Another variant at the same codon, p.C1806S (c.5417G>C), has been detected in individuals with features consistent with Marfan syndrome (Katzke S et al. Hum Mutat, 2002 Sep;20:197-208; Comeglio P et al. Hum Mutat, 2007 Sep;28:928). This variant is considered to be rare based on population cohorts in the Genome Aggregation Database (gnomAD). This amino acid position is highly conserved in available vertebrate species. In addition, this alteration is predicted to be deleterious by in silico analysis. Based on the majority of available evidence to date, this variant is likely to be pathogenic.

Women's Health and Genetics/Laboratory Corporation of America, LabCorp
Classification: Likely pathogenic for Marfan Syndrome/Loeys-Dietz Syndrome/Familial Thoracic Aortic Aneurysms and Dissections. Last evaluated: 2023-03-07. Review status: criteria provided, single submitter. Criteria: LabCorp Variant Classification Summary - May 2015. Collection method: clinical testing. Allele origin: germline.
Comment: Variant summary: FBN1 c.5417G>T (p.Cys1806Phe) results in a non-conservative amino acid change located in the EGF-like domain (IPR000742) of the encoded protein sequence. Five of five in-silico tools predict a damaging effect of the variant on protein function. The variant was absent in 251250 control chromosomes (gnomAD). To our knowledge, no occurrence of c.5417G>T in individuals affected with Marfan Syndrome and no experimental evidence demonstrating its impact on protein function have been reported. Missense mutations affecting or creating cysteine residues are listed among the criteria for a causal FBN1 mutation when identified as de novo (with proven paternity) in the revised Ghent criteria for the diagnosis of Marfan and related conditions (Loeys 2010). Other variants affecting the same amino acid (e.g. p.Cys1806Trp, p.Cys1806Gly, p.Cys1806Arg, p.Cys1806Ser, p.Cys1806Tyr) have been cited in ClinVar and/or HGMD as pathogenic and disease-associated, and are reported in affected individuals. Two ClinVar submitters (evaluation after 2014) cite the variant as likely pathogenic. Based on the evidence outlined above, the variant was classified as likely pathogenic.

Molecular Diagnostics Laboratory, M Health Fairview: University of Minnesota
Classification: Likely pathogenic for Marfan syndrome. Last evaluated: 2022-07-12. Review status: criteria provided, single submitter. Criteria: ACMG Guidelines, 2015. Collection method: clinical testing. Allele origin: germline. Affected: yes.

Literature cited by the submitters: PubMed 16905551 (cited by Labcorp Genetics (formerly Invitae), Labcorp); PubMed 19349279 (cited by Labcorp Genetics (formerly Invitae), Labcorp); PubMed 16571647 (cited by Labcorp Genetics (formerly Invitae), Labcorp); PubMed 17701892 (cited by Labcorp Genetics (formerly Invitae), Labcorp); PubMed 12402346 (cited by Labcorp Genetics (formerly Invitae), Labcorp); PubMed 26787436 (cited by Labcorp Genetics (formerly Invitae), Labcorp); PubMed 31730815 (cited by Labcorp Genetics (formerly Invitae), Labcorp).